The following is an entry in ClinVar:

NM_020822.3(KCNT1):c.3571G>A (p.Glu1191Lys)

Gene: KCNT1 (potassium sodium-activated channel subfamily T member 1; plus strand). Cytogenetic location: 9q34.3.
Variant type: single nucleotide variant.
Coding change: c.3571G>A on transcript NM_020822.3 (MANE Select); coding-DNA position 3571, G replaced by A.
Protein change: p.Glu1191Lys; replaces glutamic acid 1191 with lysine.
Molecular consequence: missense variant.
Genome position (GRCh38, 1-based): chr9:135,791,865, G>A. VCF-style: chr9-135791865-G-A. GRCh37 (hg19) VCF-style: chr9-138683711-G-A.
Other names: c.3499G>A, p.Glu1167Lys (NM_001272003.2); short protein forms E1191K, E1167K.
Identifiers: ClinVar variation 1042065 (VCV001042065.10), dbSNP rs1292390745, ClinGen allele CA375494046.

ClinVar aggregate classification (germline): Uncertain significance (1 of 4 stars; one submission).

Conditions:
Autosomal dominant nocturnal frontal lobe epilepsy 5. Also called: KCNT1-Related Epilepsy; CILIARY DYSKINESIA, PRIMARY, 28, WITHOUT SITUS INVERSUS; CILIARY DYSKINESIA, PRIMARY, 28, WITH SITUS INVERSUS; Epilepsy, nocturnal frontal lobe, 5. Identifiers: Orphanet 98784, MedGen C3554306, MONDO:0014002, OMIM 615005.
Developmental and epileptic encephalopathy, 14 (DEE14). Also called: Early infantile epileptic encephalopathy 14. Identifiers: Orphanet 293181, MedGen C3554195, MONDO:0013989, OMIM 614959.

Allele frequency attached by ClinVar (database versions not stated): gnomAD exomes below 0.00001 and 0.00001; gnomAD 0.00001; TOPMed 0.00001.
gnomAD v4.1: 8 of 1,613,782 alleles (0.0005%); highest among the groups gnomAD compares: Admixed American, 0.0017%; no homozygotes.

Submission:

Labcorp Genetics (formerly Invitae), Labcorp
Classification: Uncertain significance for Autosomal dominant nocturnal frontal lobe epilepsy 5; Developmental and epileptic encephalopathy, 14. Last evaluated: 2022-10-24. Review status: criteria provided, single submitter. Criteria: Invitae Variant Classification Sherloc (09022015). Collection method: clinical testing. Allele origin: germline.
Comment: This sequence change replaces glutamic acid, which is acidic and polar, with lysine, which is basic and polar, at codon 1191 of the KCNT1 protein (p.Glu1191Lys). This variant is present in population databases (no rsID available, gnomAD 0.007%). This variant has not been reported in the literature in individuals affected with KCNT1-related conditions. ClinVar contains an entry for this variant (Variation ID: 1042065). Advanced modeling of protein sequence and biophysical properties (such as structural, functional, and spatial information, amino acid conservation, physicochemical variation, residue mobility, and thermodynamic stability) performed at Invitae indicates that this missense variant is not expected to disrupt KCNT1 protein function. In summary, the available evidence is currently insufficient to determine the role of this variant in disease. Therefore, it has been classified as a Variant of Uncertain Significance.